The following is an entry in ClinVar:

ClinVar aggregate classification (germline): Likely pathogenic (1 of 4 stars; one submission).

Conditions:
Renal tubular acidosis, distal, 3, with or without sensorineural hearing loss (DRTA3). Identifiers: MedGen C5399980, MONDO:0011268, OMIM 602722.

Allele frequency attached by ClinVar (database versions not stated): gnomAD exomes below 0.00001.
gnomAD v4.1: 1 of 1,614,184 alleles (0.000062%); highest among the groups gnomAD compares: South Asian, 0.0011%; no homozygotes.

Submission:

Department of Paediatric Medicine, Post Graduation Institute of Medical Education and Research
Classification: Likely pathogenic for Renal tubular acidosis, distal, 3, with or without sensorineural hearing loss. Last evaluated: 2024-07-01. Review status: criteria provided, single submitter. Criteria: ACMG Guidelines, 2015. Collection method: clinical testing. Allele origin: inherited. Inheritance: Autosomal recessive inheritance. Affected: yes. Observed: 1 variant allele, 1 homozygote.
Comment: A homozygous nonsense variant in exon 15 of the ATP6V0A4 gene (chr7:g.138739581C>A) that results in a stop codon and premature truncation of the protein at codon 511 (p.Gly511Ter; ENST00000310018.7) was detected (Table). The observed variant lies in the "V-type ATPase 116kDa subunit family" domain of the ATP6V0A4 protein (PF01496). The variant has not been reported in the 1000 genomes, gnomAD (v3.1), gnomdAD (v2.1), topmed. The in-silico prediction of the variant is damaging by MutationTaster2. The reference codon is conserved across species.

NM_020632.3(ATP6V0A4):c.1531G>T (p.Gly511Ter)

Gene: ATP6V0A4 (ATPase H+ transporting V0 subunit a4; minus strand). Cytogenetic location: 7q34.
Variant type: single nucleotide variant.
Coding change: c.1531G>T on transcript NM_020632.3 (MANE Select); coding-DNA position 1531, G replaced by T.
Protein change: p.Gly511Ter; replaces glycine 511 with a stop codon.
Molecular consequence: nonsense.
Genome position (GRCh38, 1-based): chr7:138,739,581, C>A on the plus strand (G>T on the coding strand, the complement: ATP6V0A4 is on the minus strand). VCF-style: chr7-138739581-C-A. GRCh37 (hg19) VCF-style: chr7-138424326-C-A.
Other names: c.1531G>T, p.Gly511Ter (NM_130840.3, NM_130841.3); short protein forms G511*.
Identifiers: ClinVar variation 3251246 (VCV003251246.2), dbSNP rs2485855763.
Genomic context (GRCh38, chr7:138,739,581, plus strand): 5'-CCCAAGAAGACATTATTACCGGATCAATCCCAAACGGGTATGGATTTCCAAAATACACTC[C>A]TGGTATGGCTGGGTCCAGCTGCAGATATAGACTTTCCTCCATTACATGAGTACTTTAGAG-3'